The following is an entry in ClinVar:

ClinVar aggregate classification (germline): Uncertain significance (1 of 4 stars; one submission).

Conditions:
Cardiovascular phenotype. Identifiers: MedGen CN230736.
Hereditary cancer-predisposing syndrome. Also called: Neoplastic Syndromes, Hereditary; Tumor predisposition; Hereditary Cancer Syndrome; Hereditary neoplastic syndrome. Identifiers: Orphanet 140162, MedGen C0027672, MeSH D009386, MONDO:0015356.

Submission:

Ambry Genetics
Classification: Uncertain significance for Cardiovascular phenotype; Hereditary cancer-predisposing syndrome. Last evaluated: 2026-04-23. Review status: criteria provided, single submitter. Criteria: Ambry Variant Classification Scheme 2023. Collection method: clinical testing. Allele origin: germline.
Comment: The p.N1542Y variant (also known as c.4624A>T), located in coding exon 34 of the NF1 gene, results from an A to T substitution at nucleotide position 4624. The asparagine at codon 1542 is replaced by tyrosine, an amino acid with dissimilar properties. This amino acid position is highly conserved in available vertebrate species. In addition, the in silico prediction for this alteration is inconclusive. Based on the available evidence, the clinical significance of this variant remains unclear.

NM_001042492.3(NF1):c.4687A>T (p.Asn1563Tyr)

Gene: NF1 (neurofibromin 1; plus strand). Cytogenetic location: 17q11.2.
Variant type: single nucleotide variant.
Coding change: c.4687A>T on transcript NM_001042492.3 (MANE Select); coding-DNA position 4687, A replaced by T.
Protein change: p.Asn1563Tyr; replaces asparagine 1563 with tyrosine.
Molecular consequence: missense variant.
Genome position (GRCh38, 1-based): chr17:31,261,820, A>T. VCF-style: chr17-31261820-A-T. GRCh37 (hg19) VCF-style: chr17-29588838-A-T.
Other names: c.4624A>T, p.Asn1542Tyr (NM_000267.4); short protein forms N1542Y, N1563Y.
Identifiers: ClinVar variation 4860930 (VCV004860930.1).